The following is an entry in ClinVar:

NM_182943.3(PLOD2):c.1744C>G (p.Pro582Ala)

Gene: PLOD2 (procollagen-lysine,2-oxoglutarate 5-dioxygenase 2; minus strand). Cytogenetic location: 3q24.
Variant type: single nucleotide variant.
Coding change: c.1744C>G on transcript NM_182943.3 (MANE Select); coding-DNA position 1744, C replaced by G.
Protein change: p.Pro582Ala; replaces proline 582 with alanine.
Molecular consequence: missense variant.
Genome position (GRCh38, 1-based): chr3:146,072,665, G>C on the plus strand (C>G on the coding strand, the complement: PLOD2 is on the minus strand). VCF-style: chr3-146072665-G-C. GRCh37 (hg19) VCF-style: chr3-145790452-G-C.
Other names: c.1681C>G, p.Pro561Ala (NM_000935.3); short protein forms P561A, P582A.
Identifiers: ClinVar variation 1306034 (VCV001306034.2), dbSNP rs374567883, ClinGen allele CA2654777.

ClinVar aggregate classification (germline): Uncertain significance (1 of 4 stars; one submission).

Allele frequency attached by ClinVar (database versions not stated): ExAC 0.00003; gnomAD 0.00002; ESP Exome Variant Server 0.00015.
gnomAD v4.1: 17 of 1,576,490 alleles (0.0011%); highest among the groups gnomAD compares: Non-Finnish European, 0.0014%; no homozygotes.

Submission:

GeneDx
Classification: Uncertain significance. Last evaluated: 2019-05-20. Review status: criteria provided, single submitter. Criteria: GeneDx Variant Classification Process June 2021. Collection method: clinical testing. Allele origin: germline. Affected: yes.
Comment: In silico analysis, which includes protein predictors and evolutionary conservation, supports a deleterious effect; Has not been previously published as pathogenic or benign to our knowledge